The following is an entry in ClinVar:

ClinVar aggregate classification (germline): Benign. Review status: criteria provided, single submitter (1 of 4 stars). 2 submissions from 2 submitters: Benign (1). 1 of the submissions does not count toward it. Last evaluated 2025-12-13.

Conditions:
LRP6-related disorder. Also called: LRP6-related condition.

Allele frequency attached by ClinVar (database versions not stated): ESP Exome Variant Server 0.00015; TOPMed 0.00019; gnomAD exomes 0.00029; ExAC 0.00037; gnomAD 0.00040.
gnomAD v4.1: 475 of 1,613,938 alleles (0.029%); highest among the groups gnomAD compares: Middle Eastern, 0.049%; 3 homozygotes.

Submissions (2):

Labcorp Genetics (formerly Invitae), Labcorp
Classification: Benign. Last evaluated: 2025-12-13. Review status: criteria provided, single submitter. Criteria: Invitae Variant Classification Sherloc (09022015). Collection method: clinical testing. Allele origin: germline.

PreventionGenetics, part of Exact Sciences
Classification: Likely benign for LRP6-related condition. Last evaluated: 2020-05-04. Review status: no assertion criteria provided. Collection method: clinical testing. Allele origin: germline. Not counted in ClinVar's aggregate classification.
Comment: This variant is classified as likely benign based on ACMG/AMP sequence variant interpretation guidelines (Richards et al. 2015 PMID: 25741868, with internal and published modifications).

NM_002336.3(LRP6):c.3388G>A (p.Asp1130Asn)

Gene: LRP6 (LDL receptor related protein 6; minus strand). Cytogenetic location: 12p13.2.
Variant type: single nucleotide variant.
Coding change: c.3388G>A on transcript NM_002336.3 (MANE Select); coding-DNA position 3388, G replaced by A.
Protein change: p.Asp1130Asn; replaces aspartic acid 1130 with asparagine.
Molecular consequence: missense variant.
Genome position (GRCh38, 1-based): chr12:12,147,375, C>T on the plus strand (G>A on the coding strand, the complement: LRP6 is on the minus strand). VCF-style: chr12-12147375-C-T. GRCh37 (hg19) VCF-style: chr12-12300309-C-T.
Other names: c.3388G>A (NM_002336.2); c.3388G>A, p.Asp1130Asn (NM_001414244.1, NM_001414245.1, NM_001414246.1 and 4 more transcripts); c.3190G>A, p.Asp1064Asn (NM_001414247.1); c.2935G>A, p.Asp979Asn (NM_001414252.1, NM_001414253.1, NM_001414254.1); c.2881G>A, p.Asp961Asn (NM_001414255.1); short protein forms D1064N, D961N, D1130N, D979N.
Identifiers: ClinVar variation 2168582 (VCV002168582.6), dbSNP rs142845287, ClinGen allele CA6455260.
Genomic context (GRCh38, chr12:12,147,375, plus strand): 5'-GAATCATCTTAAAAACTCAAATTAAAATAAGGAAACATATTTCTTGGGTACCTGAGAGAT[C>T]ACTGCTTTCAATTCGCCGGAGATCTGAATCAGCCCAAAAGAGCTTGCCCAGCCTGCTATC-3'
Protein context (NP_002327.2, residues 1120-1140): DSDLRRIESS[Asp1130Asn]LSGANRIVLE